The following is an entry in ClinVar:

ClinVar aggregate classification (germline): Uncertain significance. Review status: criteria provided, multiple submitters, no conflicts (2 of 4 stars). 2 submissions from 2 submitters: Uncertain significance (2). Last evaluated 2021-12-06.

Allele frequency attached by ClinVar (database versions not stated): ExAC 0.00001.

Submissions (2):

Blueprint Genetics
Classification: Uncertain significance. Last evaluated: 2021-12-06. Review status: criteria provided, single submitter. Criteria: ACMG Guidelines, 2015. Collection method: clinical testing. Allele origin: germline.

GeneDx
Classification: Uncertain significance. Last evaluated: 2019-12-11. Review status: criteria provided, single submitter. Criteria: GeneDx Variant Classification Process June 2021. Collection method: clinical testing. Allele origin: germline. Affected: yes.
Comment: Nonsense variant predicted to result in protein truncation, although loss-of-function variants have not been reported downstream of this position in the protein; Has not been previously published as pathogenic or benign to our knowledge

NM_001329943.3(KIAA0586):c.4585C>A (p.Gln1529Lys)

Gene: KIAA0586 (KIAA0586; plus strand). Cytogenetic location: 14q23.1.
Variant type: single nucleotide variant.
Coding change: c.4585C>A on transcript NM_001329943.3 (MANE Select); coding-DNA position 4585, C replaced by A.
Protein change: p.Gln1529Lys; replaces glutamine 1529 with lysine.
Molecular consequence: missense variant. On other transcripts: nonsense (2).
Genome position (GRCh38, 1-based): chr14:58,547,870, C>A. VCF-style: chr14-58547870-C-A. GRCh37 (hg19) VCF-style: chr14-59014588-C-A.
Other names: c.4829C>A, p.Ser1610Ter (NM_001244189.2); c.4540C>A, p.Gln1514Lys (NM_001244190.2); c.4330C>A, p.Gln1444Lys (NM_001244191.2, NM_001364701.2); c.4453C>A, p.Gln1485Lys (NM_001244192.2, NM_001329947.2); c.4670C>A, p.Ser1557Ter (NM_001329944.2); c.4264C>A, p.Gln1422Lys (NM_001329945.2); c.4519C>A, p.Gln1507Lys (NM_001329946.2); c.4357C>A, p.Gln1453Lys (NM_014749.5); short protein forms Q1422K, Q1444K, Q1453K, Q1485K, Q1507K, Q1514K, Q1529K, S1557*.
Identifiers: ClinVar variation 1310888 (VCV001310888.3), dbSNP rs770812773, ClinGen allele CA7206455.
Genomic context (GRCh38, chr14:58,547,870, plus strand): 5'-CAGATGCCCCCTGCCAAGATGTCAGTGATGCTGCCGTCAGTGAACCTCGAGGACTGCTCT[C>A]AGTCTCTGAGTCTCAGCACAATGCAGGAGGACATGGAGTCTTCGGGGGCAGATACCTTCT-3'
Protein context (NP_001316872.1, residues 1519-1539): LPSVNLEDCS[Gln1529Lys]SLSLSTMQED